The following is an entry in ClinVar:

NM_130839.5(UBE3A):c.2503C>A (p.Pro835Thr)

Genes: SNHG14 (small nucleolar RNA host gene 14; plus strand), UBE3A (ubiquitin protein ligase E3A; minus strand). Cytogenetic location: 15q11.2.
Variant type: single nucleotide variant.
Coding change: c.2503C>A on transcript NM_130839.5 (MANE Select); coding-DNA position 2503, C replaced by A.
Protein change: p.Pro835Thr; replaces proline 835 with threonine.
Molecular consequence: missense variant. On other transcripts: non-coding transcript variant (1).
Genome position (GRCh38, 1-based): chr15:25,339,253, G>T on the plus strand (C>A on the coding strand, the complement: UBE3A is on the minus strand). VCF-style: chr15-25339253-G-T. GRCh37 (hg19) VCF-style: chr15-25584400-G-T.
Other names: c.2512C>A, p.Pro838Thr (NM_000462.5); c.2503C>A, p.Pro835Thr (NM_001354505.1, NM_001354538.2); c.2443C>A, p.Pro815Thr (NM_001354506.2, NM_001354507.2, NM_001354508.2 and 14 more transcripts); c.2326C>A, p.Pro776Thr (NM_001354546.2); c.2287C>A, p.Pro763Thr (NM_001354547.2, NM_001354548.2); c.2278C>A, p.Pro760Thr (NM_001354549.2); c.1252C>A, p.Pro418Thr (NM_001354550.2); c.1192C>A, p.Pro398Thr (NM_001354551.2); and 1 more; short protein forms P398T, P418T, P763T, P776T, P783T, P815T, P835T, P760T.
Identifiers: ClinVar variation 2824987 (VCV002824987.3), dbSNP rs1555379920, ClinGen allele CA391350731.

ClinVar aggregate classification (germline): Uncertain significance (1 of 4 stars; one submission).

Conditions:
Angelman syndrome (AS). Also called: HAPPY PUPPET SYNDROME. Identifiers: Orphanet 72, MedGen C0162635, MONDO:0007113, OMIM 105830. Disease mechanism: loss of function. Inheritance: AS is caused by disruption of maternally imprinted UBE3A located within the 15q11.2-q13 Angelman syndrome/Prader-Willi syndrome (AS/PWS) region., imprinting disorder.

Submission:

Labcorp Genetics (formerly Invitae), Labcorp
Classification: Uncertain significance for Angelman syndrome. Last evaluated: 2023-08-17. Review status: criteria provided, single submitter. Criteria: Invitae Variant Classification Sherloc (09022015). Collection method: clinical testing. Allele origin: germline.
Comment: In summary, the available evidence is currently insufficient to determine the role of this variant in disease. Therefore, it has been classified as a Variant of Uncertain Significance. Advanced modeling of protein sequence and biophysical properties (such as structural, functional, and spatial information, amino acid conservation, physicochemical variation, residue mobility, and thermodynamic stability) performed at Invitae indicates that this missense variant is expected to disrupt UBE3A protein function. This variant has not been reported in the literature in individuals affected with UBE3A-related conditions. This variant is not present in population databases (gnomAD no frequency). This sequence change replaces proline, which is neutral and non-polar, with threonine, which is neutral and polar, at codon 815 of the UBE3A protein (p.Pro815Thr).